The following is an entry in ClinVar:

NM_006767.4(LZTR1):c.2406+5G>A

Gene: LZTR1 (leucine zipper like post translational regulator 1; plus strand). Cytogenetic location: 22q11.21.
Variant type: single nucleotide variant.
Coding change: c.2406+5G>A on transcript NM_006767.4 (MANE Select); 5 bases into the intron after coding-DNA position 2406, G replaced by A.
Molecular consequence: intron variant.
Genome position (GRCh38, 1-based): chr22:20,996,971, G>A. VCF-style: chr22-20996971-G-A. GRCh37 (hg19) VCF-style: chr22-21351260-G-A.
Identifiers: ClinVar variation 2496799 (VCV002496799.4), dbSNP rs1193285002, ClinGen allele CA751569332.

ClinVar aggregate classification (germline): Uncertain significance. Review status: criteria provided, multiple submitters, no conflicts (2 of 4 stars). 2 submissions from 2 submitters: Uncertain significance (2). Last evaluated 2026-01-09.

Conditions:
Hereditary cancer-predisposing syndrome. Also called: Neoplastic Syndromes, Hereditary; Hereditary neoplastic syndrome; Tumor predisposition; Hereditary Cancer Syndrome. Identifiers: Orphanet 140162, MedGen C0027672, MeSH D009386, MONDO:0015356.
Cardiovascular phenotype. Identifiers: MedGen CN230736.

Allele frequency attached by ClinVar (database versions not stated): gnomAD exomes below 0.00001; TOPMed below 0.00001.
gnomAD v4.1: 1 of 1,613,556 alleles (0.000062%); highest among the groups gnomAD compares: Non-Finnish European, 0.000085%; no homozygotes.

Submissions (2):

Labcorp Genetics (formerly Invitae), Labcorp
Classification: Uncertain significance. Last evaluated: 2026-01-09. Review status: criteria provided, single submitter. Criteria: Invitae Variant Classification Sherloc (09022015). Collection method: clinical testing. Allele origin: germline.
Comment: This sequence change falls in intron 20 of the LZTR1 gene. It does not directly change the encoded amino acid sequence of the LZTR1 protein. It affects a nucleotide within the consensus splice site. This variant is not present in population databases (gnomAD no frequency). This variant has not been reported in the literature in individuals affected with LZTR1-related conditions. ClinVar contains an entry for this variant (Variation ID: 2496799). Variants that disrupt the consensus splice site are a relatively common cause of aberrant splicing (PMID: 17576681, 9536098). Algorithms developed to predict the effect of sequence changes on RNA splicing suggest that this variant may disrupt the consensus splice site. In summary, the available evidence is currently insufficient to determine the role of this variant in disease. Therefore, it has been classified as a Variant of Uncertain Significance.

Ambry Genetics
Classification: Uncertain significance for Cardiovascular phenotype; Hereditary cancer-predisposing syndrome. Last evaluated: 2023-02-02. Review status: criteria provided, single submitter. Criteria: Ambry Variant Classification Scheme 2023. Collection method: clinical testing. Allele origin: germline.
Comment: The c.2406+5G>A intronic variant results from a G to A substitution 5 nucleotides after coding exon 20 in the LZTR1 gene. This nucleotide position is poorly conserved in available vertebrate species. In silico splice site analysis for this alteration is inconclusive. Since supporting evidence is limited at this time, the clinical significance of this alteration remains unclear.

Literature cited by the submitters: PubMed 17576681 (cited by Labcorp Genetics (formerly Invitae), Labcorp); PubMed 9536098 (cited by Labcorp Genetics (formerly Invitae), Labcorp).